The following is an entry in ClinVar:

NM_005518.4(HMGCS2):c.146C>T (p.Thr49Ile)

Gene: HMGCS2 (3-hydroxy-3-methylglutaryl-CoA synthase 2; minus strand). Cytogenetic location: 1p12.
Variant type: single nucleotide variant.
Coding change: c.146C>T on transcript NM_005518.4 (MANE Select); coding-DNA position 146, C replaced by T.
Protein change: p.Thr49Ile; replaces threonine 49 with isoleucine.
Molecular consequence: missense variant.
Genome position (GRCh38, 1-based): chr1:119,764,585, G>A on the plus strand (C>T on the coding strand, the complement: HMGCS2 is on the minus strand). VCF-style: chr1-119764585-G-A. GRCh37 (hg19) VCF-style: chr1-120307208-G-A.
Other names: c.146C>T, p.Thr49Ile (NM_001166107.1); short protein forms T49I.
Identifiers: ClinVar variation 959097 (VCV000959097.6), dbSNP rs756404916, ClinGen allele CA1037947.

ClinVar aggregate classification (germline): Uncertain significance (1 of 4 stars; one submission).

Conditions:
3-hydroxy-3-methylglutaryl-CoA synthase deficiency (HMGCS2D). Also called: HMGCS2 DEFICIENCY; MITOCHONDRIAL HMG-CoA SYNTHASE DEFICIENCY; HMG-CoA synthase-2 deficiency. Identifiers: Orphanet 35701, MedGen C2751532, MONDO:0011614, OMIM 605911.

Allele frequency attached by ClinVar (database versions not stated): gnomAD exomes 0.00002 and 0.00009; ExAC 0.00003; TOPMed 0.00005; gnomAD 0.00008 and 0.00009.
gnomAD v4.1: 139 of 1,614,082 alleles (0.0086%); highest among the groups gnomAD compares: Non-Finnish European, 0.011%; no homozygotes.

Submission:

Labcorp Genetics (formerly Invitae), Labcorp
Classification: Uncertain significance for 3-hydroxy-3-methylglutaryl-CoA synthase deficiency. Last evaluated: 2024-11-05. Review status: criteria provided, single submitter. Criteria: Invitae Variant Classification Sherloc (09022015). Collection method: clinical testing. Allele origin: germline.
Comment: This sequence change replaces threonine, which is neutral and polar, with isoleucine, which is neutral and non-polar, at codon 49 of the HMGCS2 protein (p.Thr49Ile). This variant is present in population databases (rs756404916, gnomAD 0.004%). This variant has not been reported in the literature in individuals affected with HMGCS2-related conditions. ClinVar contains an entry for this variant (Variation ID: 959097). An algorithm developed to predict the effect of missense changes on protein structure and function (PolyPhen-2) suggests that this variant¬†is likely to be tolerated. In summary, the available evidence is currently insufficient to determine the role of this variant in disease. Therefore, it has been classified as a Variant of Uncertain Significance.